The following is an entry in ClinVar:

ClinVar aggregate classification (germline): Uncertain significance (1 of 4 stars; one submission).

Allele frequency attached by ClinVar (database versions not stated): gnomAD exomes below 0.00001; ExAC 0.00001.
gnomAD v4.1: 1 of 1,614,078 alleles (0.000062%); highest among the groups gnomAD compares: South Asian, 0.0011%; no homozygotes.

Submission:

Labcorp Genetics (formerly Invitae), Labcorp
Classification: Uncertain significance. Last evaluated: 2023-12-19. Review status: criteria provided, single submitter. Criteria: Invitae Variant Classification Sherloc (09022015). Collection method: clinical testing. Allele origin: germline.
Comment: This sequence change replaces lysine, which is basic and polar, with glutamic acid, which is acidic and polar, at codon 87 of the CTNNA1 protein (p.Lys87Glu). This variant is present in population databases (rs756417618, gnomAD 0.003%). This variant has not been reported in the literature in individuals affected with CTNNA1-related conditions. ClinVar contains an entry for this variant (Variation ID: 1463627). Advanced modeling of protein sequence and biophysical properties (such as structural, functional, and spatial information, amino acid conservation, physicochemical variation, residue mobility, and thermodynamic stability) performed at Invitae indicates that this missense variant is not expected to disrupt CTNNA1 protein function with a negative predictive value of 80%. In summary, the available evidence is currently insufficient to determine the role of this variant in disease. Therefore, it has been classified as a Variant of Uncertain Significance.

NM_001903.5(CTNNA1):c.259A>G (p.Lys87Glu)

Gene: CTNNA1 (catenin alpha 1; plus strand). Cytogenetic location: 5q31.2.
Variant type: single nucleotide variant.
Coding change: c.259A>G on transcript NM_001903.5 (MANE Select); coding-DNA position 259, A replaced by G.
Protein change: p.Lys87Glu; replaces lysine 87 with glutamic acid.
Molecular consequence: missense variant. On other transcripts: intron variant (2).
Genome position (GRCh38, 1-based): chr5:138,783,330, A>G. VCF-style: chr5-138783330-A-G. GRCh37 (hg19) VCF-style: chr5-138119019-A-G.
Other names: c.259A>G, p.Lys87Glu (NM_001290307.3, NM_001323982.2, NM_001323983.1 and 3 more transcripts); c.-6+58A>G (NM_001290310.3); c.-9+1301A>G (NM_001290309.3); short protein forms K87E.
Identifiers: ClinVar variation 1463627 (VCV001463627.6), dbSNP rs756417618, ClinGen allele CA3431388.